The following is an entry in ClinVar:

NM_014844.5(TECPR2):c.1249G>A (p.Asp417Asn)

Gene: TECPR2 (tectonin beta-propeller repeat containing 2; plus strand). Cytogenetic location: 14q32.31.
Variant type: single nucleotide variant.
Coding change: c.1249G>A on transcript NM_014844.5 (MANE Select); coding-DNA position 1249, G replaced by A.
Protein change: p.Asp417Asn; replaces aspartic acid 417 with asparagine.
Molecular consequence: missense variant.
Genome position (GRCh38, 1-based): chr14:102,431,960, G>A. VCF-style: chr14-102431960-G-A. GRCh37 (hg19) VCF-style: chr14-102898297-G-A.
Other names: c.1249G>A, p.Asp417Asn (NM_001172631.3); short protein forms D417N.
Identifiers: ClinVar variation 2644582 (VCV002644582.24), dbSNP rs754251131, ClinGen allele CA7357675.
Genomic context (GRCh38, chr14:102,431,960, plus strand): 5'-TCCATGGCCAGCTCCGTGGCCAGCGAGCCAAGGAGCAGGAGCAGCTCGCTCAACTCCACC[G>A]ACAGCGGCTCCGGGCTCCTGCCCCCTGGGCTCCAGGCCACCCCTGAGCTGGGCAAGGGCA-3'
Protein context (NP_055659.2, residues 407-427): RSRSSSLNST[Asp417Asn]SGSGLLPPGL

ClinVar aggregate classification (germline): Uncertain significance (1 of 4 stars; one submission).

Allele frequency attached by ClinVar (database versions not stated): gnomAD 0.00002; gnomAD exomes 0.00004; TOPMed 0.00004; ExAC 0.00007.
gnomAD v4.1: 64 of 1,612,942 alleles (0.004%); highest among the groups gnomAD compares: East Asian, 0.056%; no homozygotes.

Submission:

CeGaT Center for Human Genetics Tuebingen
Classification: Uncertain significance. Last evaluated: 2023-10-01. Review status: criteria provided, single submitter. Criteria: CeGaT Center For Human Genetics Tuebingen Variant Classification Criteria Version 2. Collection method: clinical testing. Allele origin: germline. Affected: yes. Observed: 1 variant allele.
Comment: TECPR2: PM2